The following is an entry in ClinVar:

NM_014363.6(SACS):c.11451T>A (p.Tyr3817Ter)

Gene: SACS (sacsin molecular chaperone; minus strand). Cytogenetic location: 13q12.12.
Variant type: single nucleotide variant.
Coding change: c.11451T>A on transcript NM_014363.6 (MANE Select); coding-DNA position 11451, T replaced by A.
Protein change: p.Tyr3817Ter; replaces tyrosine 3817 with a stop codon.
Molecular consequence: nonsense.
Genome position (GRCh38, 1-based): chr13:23,332,425, A>T on the plus strand (T>A on the coding strand, the complement: SACS is on the minus strand). VCF-style: chr13-23332425-A-T. GRCh37 (hg19) VCF-style: chr13-23906564-A-T.
Other names: c.11010T>A, p.Tyr3670Ter (NM_001278055.2); short protein forms Y3670*, Y3817*.
Identifiers: ClinVar variation 2843592 (VCV002843592.3), dbSNP rs2542169878, ClinGen allele CA387509960.

ClinVar aggregate classification (germline): Pathogenic (1 of 4 stars; one submission).

Conditions:
Spastic paraplegia. Identifiers: MedGen C0037772, HP:0001258.

Submission:

Labcorp Genetics (formerly Invitae), Labcorp
Classification: Pathogenic for Spastic paraplegia. Last evaluated: 2023-03-07. Review status: criteria provided, single submitter. Criteria: Invitae Variant Classification Sherloc (09022015). Collection method: clinical testing. Allele origin: germline.
Comment: For these reasons, this variant has been classified as Pathogenic. This variant disrupts a region of the SACS protein in which other variant(s) (p.Asn4549Asp) have been determined to be pathogenic (PMID: 15156359, 21507954). This suggests that this is a clinically significant region of the protein, and that variants that disrupt it are likely to be disease-causing. This variant has not been reported in the literature in individuals affected with SACS-related conditions. This variant is not present in population databases (gnomAD no frequency). This sequence change creates a premature translational stop signal (p.Tyr3817*) in the SACS gene. While this is not anticipated to result in nonsense mediated decay, it is expected to disrupt the last 763 amino acid(s) of the SACS protein.

Literature cited by the submitters: PubMed 15156359; PubMed 21507954.